The following is an entry in ClinVar:

NM_003738.5(PTCH2):c.3263T>A (p.Phe1088Tyr)

Gene: PTCH2 (patched 2; minus strand). Cytogenetic location: 1p34.1.
Variant type: single nucleotide variant.
Coding change: c.3263T>A on transcript NM_003738.5 (MANE Select); coding-DNA position 3263, T replaced by A.
Protein change: p.Phe1088Tyr; replaces phenylalanine 1088 with tyrosine.
Molecular consequence: missense variant.
Genome position (GRCh38, 1-based): chr1:44,823,163, A>T on the plus strand (T>A on the coding strand, the complement: PTCH2 is on the minus strand). VCF-style: chr1-44823163-A-T. GRCh37 (hg19) VCF-style: chr1-45288835-A-T.
Other names: c.3263T>A, p.Phe1088Tyr (NM_001166292.2); c.3263T>A (NM_003738.4); short protein forms F1088Y.
Identifiers: ClinVar variation 1041311 (VCV001041311.10), dbSNP rs200049774, ClinGen allele CA822743.

ClinVar aggregate classification (germline): Uncertain significance. Review status: criteria provided, single submitter (1 of 4 stars). 2 submissions from 2 submitters: Uncertain significance (1). 1 of the submissions does not count toward it. Last evaluated 2025-02-25.

Conditions:
Gorlin syndrome. Also called: Nevoid Basal Cell Carcinoma Syndrome; Basal cell nevus syndrome. Identifiers: Orphanet 377, MedGen C0004779, MONDO:0007187.
PTCH2-related disorder. Also called: PTCH2-related condition; PTCH2-related disease.

Allele frequency attached by ClinVar (database versions not stated): gnomAD exomes 0.00001 and 0.00003; TOPMed 0.00002; ExAC 0.00003; gnomAD 0.00003 and 0.00005.

Submissions (2):

Labcorp Genetics (formerly Invitae), Labcorp
Classification: Uncertain significance for Gorlin syndrome. Last evaluated: 2025-02-25. Review status: criteria provided, single submitter. Criteria: Invitae Variant Classification Sherloc (09022015). Collection method: clinical testing. Allele origin: germline.
Comment: This sequence change replaces phenylalanine, which is neutral and non-polar, with tyrosine, which is neutral and polar, at codon 1088 of the PTCH2 protein (p.Phe1088Tyr). This variant is present in population databases (rs200049774, gnomAD 0.006%). This variant has not been reported in the literature in individuals affected with PTCH2-related conditions. ClinVar contains an entry for this variant (Variation ID: 1041311). Invitae Evidence Modeling of protein sequence and biophysical properties (such as structural, functional, and spatial information, amino acid conservation, physicochemical variation, residue mobility, and thermodynamic stability) has been performed for this missense variant. However, the output from this modeling did not meet the statistical confidence thresholds required to predict the impact of this variant on PTCH2 protein function. In summary, the available evidence is currently insufficient to determine the role of this variant in disease. Therefore, it has been classified as a Variant of Uncertain Significance.

PreventionGenetics, part of Exact Sciences
Classification: Uncertain significance for PTCH2-related condition. Last evaluated: 2024-07-02. Review status: no assertion criteria provided. Collection method: clinical testing. Allele origin: germline. Not counted in ClinVar's aggregate classification.
Comment: The PTCH2 c.3263T>A variant is predicted to result in the amino acid substitution p.Phe1088Tyr. To our knowledge, this variant has not been reported in the literature. This variant is reported in 0.0056% of alleles in individuals of Latino descent in gnomAD. This variant has been interpreted as uncertain significance in ClinVar. At this time, the clinical significance of this variant is uncertain due to the absence of conclusive functional and genetic evidence.